The following is an entry in ClinVar:

ClinVar aggregate classification (germline): Uncertain significance. Review status: criteria provided, multiple submitters, no conflicts (2 of 4 stars). 2 submissions from 2 submitters: Uncertain significance (2). Last evaluated 2024-03-21.

Conditions:
Familial thoracic aortic aneurysm and aortic dissection (TAAD). Also called: Thoracic aortic aneurysms and dissections. Identifiers: Orphanet 91387, MedGen C4707243, MONDO:0019625.

Submissions (2):

GeneDx
Classification: Uncertain significance. Last evaluated: 2024-03-21. Review status: criteria provided, single submitter. Criteria: GeneDx Variant Classification Process June 2021. Collection method: clinical testing. Allele origin: germline. Affected: yes.
Comment: Not observed at significant frequency in large population cohorts (gnomAD); Frameshift variant predicted to result in protein truncation or nonsense mediated decay in a gene or region of a gene for which loss of function is not a well-established mechanism of disease; Has not been previously published as pathogenic or benign to our knowledge; This variant is associated with the following publications: (PMID: 33087929)

Color Diagnostics, LLC DBA Color Health
Classification: Uncertain significance for Familial thoracic aortic aneurysm and aortic dissection. Last evaluated: 2019-09-15. Review status: criteria provided, single submitter. Criteria: ACMG Guidelines, 2015. Collection method: clinical testing. Allele origin: germline.
Comment: This variant deletes 2 nucleotides in exon 9 of the ACTA2 gene, creating a frameshift and premature translation stop signal in the last coding exon. The mutant transcript may escape nonsense-mediated decay and be expressed as a truncated protein product. To our knowledge, functional studies have not been performed for this variant. This variant has not been reported in individuals affected with cardiovascular disorders in the literature. This variant has not been identified in the general population by the Genome Aggregation Database (gnomAD). The available evidence is insufficient to determine the role of this variant in disease conclusively. Therefore, this variant is classified as a Variant of Uncertain Significance.

NM_001613.4(ACTA2):c.1051_1052del (p.Leu351fs)

Genes: ACTA2-AS1 (ACTA2 antisense RNA 1; plus strand), ACTA2 (actin alpha 2, smooth muscle; minus strand). Cytogenetic location: 10q23.31.
Variant type: Microsatellite.
Coding change: c.1051_1052del on transcript NM_001613.4 (MANE Select); coding-DNA positions 1051 to 1052, 2 bases deleted (CT; older notation c.1051_1052delCT).
Protein change: p.Leu351fs; shifts the reading frame from leucine 351.
Molecular consequence: frameshift variant. On other transcripts: non-coding transcript variant (1).
Genome position (GRCh38, 1-based): chr10:88,935,305-88,935,306, AG deleted on the plus strand (CT on the coding strand, the reverse complement: ACTA2 is on the minus strand); deleting any 2 consecutive bases within chr10:88,935,305-88,935,310 gives the same sequence; the c. name uses the placement nearest the transcript's 3' end. VCF-style (leftmost placement, unchanged base first): chr10-88935304-CAG-C. GRCh37 (hg19) VCF-style: chr10-90695061-CAG-C.
Other names: c.1047_1048CT[2], p.Leu351Valfs (NM_001141945.3, NM_001320855.2, NM_001406462.1 and 3 more transcripts); c.936_937CT[2], p.Leu314Valfs (NM_001406466.1); c.918_919CT[2], p.Leu308Valfs (NM_001406467.1, NM_001406468.1, NM_001406469.1); c.855_856CT[2], p.Leu287Valfs (NM_001406471.1); c.1051_1052del (NM_001613.2); short protein forms L351fs.
Identifiers: ClinVar variation 920316 (VCV000920316.6), dbSNP rs1845712598, ClinGen allele CA1139661616.